The following is an entry in ClinVar:

NM_000448.3(RAG1):c.2320G>T (p.Glu774Ter)

Gene: RAG1 (recombination activating 1; plus strand). Cytogenetic location: 11p12.
Variant type: single nucleotide variant.
Coding change: c.2320G>T on transcript NM_000448.3 (MANE Select); coding-DNA position 2320, G replaced by T.
Protein change: p.Glu774Ter; replaces glutamic acid 774 with a stop codon.
Molecular consequence: nonsense.
Genome position (GRCh38, 1-based): chr11:36,575,624, G>T. VCF-style: chr11-36575624-G-T. GRCh37 (hg19) VCF-style: chr11-36597174-G-T.
Other names: c.2320G>T, p.Glu774Ter (NM_001377277.1, NM_001377278.1, NM_001377279.1 and 1 more transcripts); short protein forms E774*.
Identifiers: ClinVar variation 13140 (VCV000013140.7), dbSNP rs104894282, ClinGen allele CA122877.
Genomic context (GRCh38, chr11:36,575,624, plus strand): 5'-GCTGAGAACCTGGAACGTTATGAGGTCTGGCGTTCCAACCCTTACCATGAGTCTGTGGAA[G>T]AACTGCGGGATCGGGTGAAAGGGGTCTCAGCTAAACCTTTCATTGAGACAGTCCCTTCCA-3'

ClinVar aggregate classification (germline): Pathogenic/Likely pathogenic. Review status: criteria provided, multiple submitters, no conflicts (2 of 4 stars). 4 submissions from 4 submitters: Pathogenic (1); Likely pathogenic (2). 1 of the submissions does not count toward it. Last evaluated 2024-04-10.

Conditions:
Severe combined immunodeficiency, autosomal recessive, T cell-negative, B cell-negative, NK cell-positive. Also called: SCID, AR, T-cell negative, B-cell negative, NK cell-positive; Severe combined immunodeficiency due to complete RAG1/2 deficiency; SCID, T CELL-NEGATIVE, B CELL-NEGATIVE, NK CELL-POSITIVE. Identifiers: Orphanet 331206, MedGen C1832322, MONDO:0011086, OMIM 601457.
Combined immunodeficiency with skin granulomas. Identifiers: Orphanet 157949, MedGen C2673536, MONDO:0009306, OMIM 233650.
Histiocytic medullary reticulosis. Also called: SEVERE COMBINED IMMUNODEFICIENCY WITH HYPEREOSINOPHILIA; Omenn syndrome. Identifiers: Orphanet 39041, MedGen C2700553, MONDO:0011338, OMIM 603554.
Combined immunodeficiency due to partial RAG1 deficiency. Identifiers: Orphanet 231154, MedGen C1835931, MONDO:0012359, OMIM 609889.
Severe combined immunodeficiency, B cell-negative. Identifiers: MedGen C1867362.

Allele frequency attached by ClinVar (database versions not stated): TOPMed below 0.00001.
gnomAD v4.1: 11 of 1,614,130 alleles (0.00068%); highest among the groups gnomAD compares: Non-Finnish European, 0.00093%; no homozygotes.

Submissions (4):

Fulgent Genetics
Classification: Likely pathogenic for Combined immunodeficiency with skin granulomas; Severe combined immunodeficiency, autosomal recessive, T cell-negative, B cell-negative, NK cell-positive; Histiocytic medullary reticulosis; Combined immunodeficiency due to partial RAG1 deficiency. Last evaluated: 2024-04-10. Review status: criteria provided, single submitter. Criteria: ACMG Guidelines, 2015. Collection method: clinical testing. Allele origin: germline.

Baylor Genetics
Classification: Likely pathogenic for Combined immunodeficiency due to partial RAG1 deficiency. Last evaluated: 2023-09-27. Review status: criteria provided, single submitter. Criteria: ACMG Guidelines, 2015. Collection method: clinical testing. Allele origin: unknown.

Labcorp Genetics (formerly Invitae), Labcorp
Classification: Pathogenic for Combined immunodeficiency with skin granulomas; Severe combined immunodeficiency, autosomal recessive, T cell-negative, B cell-negative, NK cell-positive. Last evaluated: 2023-07-17. Review status: criteria provided, single submitter. Criteria: Invitae Variant Classification Sherloc (09022015). Collection method: clinical testing. Allele origin: germline.
Comment: This sequence change creates a premature translational stop signal (p.Glu774*) in the RAG1 gene. While this is not anticipated to result in nonsense mediated decay, it is expected to disrupt the last 270 amino acid(s) of the RAG1 protein. This variant is not present in population databases (gnomAD no frequency). This premature translational stop signal has been observed in individual(s) with severe combined immunodeficiency (PMID: 8810255). ClinVar contains an entry for this variant (Variation ID: 13140). This variant disrupts a region of the RAG1 protein in which other variant(s) (p.Trp959*) have been determined to be pathogenic (PMID: 11133745, 24290284, 24406074). This suggests that this is a clinically significant region of the protein, and that variants that disrupt it are likely to be disease-causing. For these reasons, this variant has been classified as Pathogenic.

OMIM
Classification: Pathogenic for SEVERE COMBINED IMMUNODEFICIENCY, B CELL-NEGATIVE. Last evaluated: 1996-10-04. Review status: no assertion criteria provided. Collection method: literature only. Allele origin: germline. Not counted in ClinVar's aggregate classification.

Literature cited by the submitters: PubMed 8810255 (cited by Labcorp Genetics (formerly Invitae), Labcorp and OMIM); PubMed 11133745 (cited by Labcorp Genetics (formerly Invitae), Labcorp); PubMed 24290284 (cited by Labcorp Genetics (formerly Invitae), Labcorp); PubMed 24406074 (cited by Labcorp Genetics (formerly Invitae), Labcorp).